The following is an entry in ClinVar:

ClinVar aggregate classification (germline): Uncertain significance (1 of 4 stars; one submission).

Conditions:
Hereditary cancer-predisposing syndrome. Also called: Neoplastic Syndromes, Hereditary; Tumor predisposition; Hereditary Cancer Syndrome; Hereditary neoplastic syndrome. Identifiers: Orphanet 140162, MedGen C0027672, MeSH D009386, MONDO:0015356.

Submission:

Ambry Genetics
Classification: Uncertain significance for Hereditary cancer-predisposing syndrome. Last evaluated: 2025-12-12. Review status: criteria provided, single submitter. Criteria: Ambry Variant Classification Scheme 2023. Collection method: clinical testing. Allele origin: germline.
Comment: The p.G2293C variant (also known as c.6877G>T), located in coding exon 15 of the APC gene, results from a G to T substitution at nucleotide position 6877. The glycine at codon 2293 is replaced by cysteine, an amino acid with highly dissimilar properties. This amino acid position is not well conserved in available vertebrate species. In addition, in silico predictors for this gene do not accurately predict pathogenicity. Missense variants in APC are not a common cause of disease (Spier I et al. Genet Med. 2024 Feb;26(2):100992). Based on the available evidence, the clinical significance of this variant remains unclear.

NM_000038.6(APC):c.6877G>T (p.Gly2293Cys)

Gene: APC (APC regulator of Wnt signaling pathway; plus strand). Cytogenetic location: 5q22.2.
Variant type: single nucleotide variant.
Coding change: c.6877G>T on transcript NM_000038.6 (MANE Select); coding-DNA position 6877, G replaced by T.
Protein change: p.Gly2293Cys; replaces glycine 2293 with cysteine.
Molecular consequence: missense variant.
Genome position (GRCh38, 1-based): chr5:112,842,471, G>T. VCF-style: chr5-112842471-G-T. GRCh37 (hg19) VCF-style: chr5-112178168-G-T.
Other names: c.6877G>T, p.Gly2293Cys (NM_001127510.3, NM_001354895.2, NM_001407450.1); c.6823G>T, p.Gly2275Cys (NM_001127511.3); c.6931G>T, p.Gly2311Cys (NM_001354896.2, NM_001407447.1, NM_001407448.1 and 1 more transcripts); c.6907G>T, p.Gly2303Cys (NM_001354897.2); c.6802G>T, p.Gly2268Cys (NM_001354898.2); c.6793G>T, p.Gly2265Cys (NM_001354899.2); c.6754G>T, p.Gly2252Cys (NM_001354900.2); c.6700G>T, p.Gly2234Cys (NM_001354901.2, NM_001407453.1); and 11 more; short protein forms G1909C, G2192C, G2268C, G2311C, G2164C, G2167C, G2252C, G2265C.
Identifiers: ClinVar variation 1755905 (VCV001755905.3), dbSNP rs876660777, ClinGen allele CA16036340.
Genomic context (GRCh38, chr5:112,842,471, plus strand): 5'-GGAGCCAAGCCATCTGTGAAATCAGAATTAAGCCCTGTTGCCAGGCAGACATCCCAAATA[G>T]GTGGGTCAAGTAAAGCACCTTCTAGATCAGGATCTAGAGATTCGACCCCTTCAAGACCTG-3'
Protein context (NP_000029.2, residues 2283-2303): SPVARQTSQI[Gly2293Cys]GSSKAPSRSG